The following is an entry in ClinVar:

ClinVar aggregate classification (germline): Uncertain significance (1 of 4 stars; one submission).

Conditions:
Cardiovascular phenotype. Identifiers: MedGen CN230736.

gnomAD v4.1: 12 of 1,612,790 alleles (0.00074%); highest among the groups gnomAD compares: Non-Finnish European, 0.00093%; no homozygotes.

Submission:

Ambry Genetics
Classification: Uncertain significance for Cardiovascular phenotype. Last evaluated: 2026-04-12. Review status: criteria provided, single submitter. Criteria: Ambry Variant Classification Scheme 2023. Collection method: clinical testing. Allele origin: germline.
Comment: The p.E1318A variant (also known as c.3953A>C), located in coding exon 29 of the LAMA4 gene, results from an A to C substitution at nucleotide position 3953. The glutamic acid at codon 1318 is replaced by alanine, an amino acid with dissimilar properties. This amino acid position is conserved. In addition, the in silico prediction for this alteration is inconclusive. Based on the available evidence, the clinical significance of this variant remains unclear.

NM_001105206.3(LAMA4):c.3974A>C (p.Glu1325Ala)

Gene: LAMA4 (laminin subunit alpha 4; minus strand). Cytogenetic location: 6q21.
Variant type: single nucleotide variant.
Coding change: c.3974A>C on transcript NM_001105206.3 (MANE Select); coding-DNA position 3974, A replaced by C.
Protein change: p.Glu1325Ala; replaces glutamic acid 1325 with alanine.
Molecular consequence: missense variant.
Genome position (GRCh38, 1-based): chr6:112,130,035, T>G on the plus strand (A>C on the coding strand, the complement: LAMA4 is on the minus strand). VCF-style: chr6-112130035-T-G. GRCh37 (hg19) VCF-style: chr6-112451237-T-G.
Other names: c.3953A>C, p.Glu1318Ala (NM_001105207.3, NM_002290.5); short protein forms E1318A, E1325A.
Identifiers: ClinVar variation 4859081 (VCV004859081.1).